The following is an entry in ClinVar:

ClinVar aggregate classification (germline): Pathogenic (1 of 4 stars; one submission).

Conditions:
Developmental and epileptic encephalopathy 94 (DEE94). Also called: Epileptic encephalopathy, childhood-onset; CHD2-Related Neurodevelopmental Disorders. Identifiers: Orphanet 1942, Orphanet 2382, MedGen C3809278, MONDO:0014150, OMIM 615369.

Submission:

Labcorp Genetics (formerly Invitae), Labcorp
Classification: Pathogenic for Developmental and epileptic encephalopathy 94. Last evaluated: 2021-08-26. Review status: criteria provided, single submitter. Criteria: Invitae Variant Classification Sherloc (09022015). Collection method: clinical testing. Allele origin: germline.
Comment: For these reasons, this variant has been classified as Pathogenic. Loss-of-function variants in CHD2 are known to be pathogenic (PMID: 23708187, 24207121). This variant has not been reported in the literature in individuals with CHD2-related conditions. This variant is not present in population databases (ExAC no frequency). This sequence change creates a premature translational stop signal (p.Gly250Argfs*4) in the CHD2 gene. It is expected to result in an absent or disrupted protein product.

Literature cited by the submitters: PubMed 23708187; PubMed 24207121.

NM_001271.4(CHD2):c.747_748del (p.Gly250fs)

Gene: CHD2 (chromodomain helicase DNA binding protein 2; plus strand). Cytogenetic location: 15q26.1.
Variant type: Deletion.
Coding change: c.747_748del on transcript NM_001271.4 (MANE Select); coding-DNA positions 747 to 748, 2 bases deleted (TG; older notation c.747_748delTG).
Protein change: p.Gly250fs; shifts the reading frame from glycine 250.
Molecular consequence: frameshift variant.
Genome position (GRCh38, 1-based): chr15:92,941,876-92,941,877, TG deleted. VCF-style (leftmost placement, unchanged base first): chr15-92941875-CTG-C. GRCh37 (hg19) VCF-style: chr15-93485105-CTG-C.
Other names: c.747_748del, p.Gly250fs (NM_001042572.3); short protein forms G250fs.
Identifiers: ClinVar variation 947704 (VCV000947704.8), dbSNP rs2053387971, ClinGen allele CA1139664162.